The following is an entry in ClinVar:

ClinVar aggregate classification (germline): Uncertain significance. Review status: criteria provided, multiple submitters, no conflicts (2 of 4 stars). 2 submissions from 2 submitters: Uncertain significance (2). Last evaluated 2023-12-13.

Allele frequency attached by ClinVar (database versions not stated): gnomAD exomes 0.00014 and 0.00016; ExAC 0.00016; 1000 Genomes Project 0.00020; TOPMed 0.00028; gnomAD 0.00029 and 0.00031; 1000 Genomes Project 30x 0.00031; ESP Exome Variant Server 0.00031.
gnomAD v4.1: 282 of 1,610,856 alleles (0.018%); highest among the groups gnomAD compares: African/African-American, 0.054%; no homozygotes.

Submissions (2):

GeneDx
Classification: Uncertain significance. Last evaluated: 2023-12-13. Review status: criteria provided, single submitter. Criteria: GeneDx Variant Classification Process June 2021. Collection method: clinical testing. Allele origin: germline. Affected: yes.
Comment: In silico analysis supports that this missense variant has a deleterious effect on protein structure/function; Has not been previously published as pathogenic or benign to our knowledge

Labcorp Genetics (formerly Invitae), Labcorp
Classification: Uncertain significance. Last evaluated: 2022-10-26. Review status: criteria provided, single submitter. Criteria: Invitae Variant Classification Sherloc (09022015). Collection method: clinical testing. Allele origin: germline.
Comment: This sequence change replaces arginine, which is basic and polar, with tryptophan, which is neutral and slightly polar, at codon 1211 of the TUBGCP6 protein (p.Arg1211Trp). This variant is present in population databases (rs138250830, gnomAD 0.07%). This variant has not been reported in the literature in individuals affected with TUBGCP6-related conditions. ClinVar contains an entry for this variant (Variation ID: 855328). Algorithms developed to predict the effect of missense changes on protein structure and function are either unavailable or do not agree on the potential impact of this missense change (SIFT: "Deleterious"; PolyPhen-2: "Probably Damaging"; Align-GVGD: "Class C0"). In summary, the available evidence is currently insufficient to determine the role of this variant in disease. Therefore, it has been classified as a Variant of Uncertain Significance.

NM_020461.4(TUBGCP6):c.3631C>T (p.Arg1211Trp)

Gene: TUBGCP6 (tubulin gamma complex component 6; minus strand). Cytogenetic location: 22q13.33.
Variant type: single nucleotide variant.
Coding change: c.3631C>T on transcript NM_020461.4 (MANE Select); coding-DNA position 3631, C replaced by T.
Protein change: p.Arg1211Trp; replaces arginine 1211 with tryptophan.
Molecular consequence: missense variant.
Genome position (GRCh38, 1-based): chr22:50,220,728, G>A on the plus strand (C>T on the coding strand, the complement: TUBGCP6 is on the minus strand). VCF-style: chr22-50220728-G-A. GRCh37 (hg19) VCF-style: chr22-50659157-G-A.
Other names: short protein forms R1211W.
Identifiers: ClinVar variation 855328 (VCV000855328.6), dbSNP rs138250830, ClinGen allele CA10307878.